The following is an entry in ClinVar:

ClinVar aggregate classification (germline): Uncertain significance (1 of 4 stars; one submission).

Conditions:
Nemaline myopathy 10 (NEM10). Identifiers: MedGen C4015360, MONDO:0014513, OMIM 616165.

Allele frequency attached by ClinVar (database versions not stated): gnomAD exomes below 0.00001.
gnomAD v4.1: 2 of 1,613,846 alleles (0.00012%); highest among the groups gnomAD compares: South Asian, 0.0022%; no homozygotes.

Submission:

Labcorp Genetics (formerly Invitae), Labcorp
Classification: Uncertain significance for Nemaline myopathy 10. Last evaluated: 2023-07-17. Review status: criteria provided, single submitter. Criteria: Invitae Variant Classification Sherloc (09022015). Collection method: clinical testing. Allele origin: germline.
Comment: In summary, the available evidence is currently insufficient to determine the role of this variant in disease. Therefore, it has been classified as a Variant of Uncertain Significance. An algorithm developed to predict the effect of missense changes on protein structure and function (PolyPhen-2) suggests that this variant is likely to be tolerated. ClinVar contains an entry for this variant (Variation ID: 1397814). This variant has not been reported in the literature in individuals affected with LMOD3-related conditions. This variant is not present in population databases (gnomAD no frequency). This sequence change replaces glutamic acid, which is acidic and polar, with valine, which is neutral and non-polar, at codon 204 of the LMOD3 protein (p.Glu204Val).

NM_198271.5(LMOD3):c.611A>T (p.Glu204Val)

Gene: LMOD3 (leiomodin 3; minus strand). Cytogenetic location: 3p14.1.
Variant type: single nucleotide variant.
Coding change: c.611A>T on transcript NM_198271.5 (MANE Select); coding-DNA position 611, A replaced by T.
Protein change: p.Glu204Val; replaces glutamic acid 204 with valine.
Molecular consequence: missense variant.
Genome position (GRCh38, 1-based): chr3:69,119,744, T>A on the plus strand (A>T on the coding strand, the complement: LMOD3 is on the minus strand). VCF-style: chr3-69119744-T-A. GRCh37 (hg19) VCF-style: chr3-69168895-T-A.
Other names: c.611A>T, p.Glu204Val (NM_001304418.3); short protein forms E204V.
Identifiers: ClinVar variation 1397814 (VCV001397814.6), dbSNP rs2107526679, ClinGen allele CA353475685.